The following is an entry in ClinVar:

NM_001159.4(AOX1):c.3120C>T (p.Val1040=)

Gene: AOX1 (aldehyde oxidase 1; plus strand). Cytogenetic location: 2q33.1.
Variant type: single nucleotide variant.
Coding change: c.3120C>T on transcript NM_001159.4 (MANE Select); coding-DNA position 3120, C replaced by T.
Protein change: p.Val1040=; no amino-acid change (valine 1040 retained).
Molecular consequence: synonymous variant.
Genome position (GRCh38, 1-based): chr2:200,656,886, C>T. VCF-style: chr2-200656886-C-T. GRCh37 (hg19) VCF-style: chr2-201521609-C-T.
Identifiers: ClinVar variation 773128 (VCV000773128.28), dbSNP rs114924183, ClinGen allele CA2049624.
Genomic context (GRCh38, chr2:200,656,886, plus strand): 5'-CGTCTTTTCTGCTCAGGCTGCTGCCTTGGTTCACATTTATCTTGATGGCTCTGTGCTGGT[C>T]ACTCACGGTGGAATTGAAATGGGGCAGGGGGTCCACACTAAAATGATTCAGGTAAGAATG-3'
Protein context (NP_001150.3, residues 1030-1050): VHIYLDGSVL[Val1040=]THGGIEMGQG

ClinVar aggregate classification (germline): Benign/Likely benign. Review status: criteria provided, multiple submitters, no conflicts (2 of 4 stars). 3 submissions from 3 submitters: Benign (2); Likely benign (1). Last evaluated 2023-03-01.

Allele frequency attached by ClinVar (database versions not stated): 1000 Genomes Project 30x 0.00187; 1000 Genomes Project 0.00200; gnomAD exomes 0.00349 and 0.00589; TOPMed 0.00365; ExAC 0.00375; gnomAD 0.00401 and 0.00405; ESP Exome Variant Server 0.00507.
gnomAD v4.1: 8,943 of 1,584,816 alleles (0.56%); highest among the groups gnomAD compares: Non-Finnish European, 0.71%; 34 homozygotes.

Submissions (3):

CeGaT Center for Human Genetics Tuebingen
Classification: Likely benign. Last evaluated: 2023-03-01. Review status: criteria provided, single submitter. Criteria: CeGaT Center For Human Genetics Tuebingen Variant Classification Criteria Version 2. Collection method: clinical testing. Allele origin: germline. Affected: yes. Observed: 2 variant alleles.
Comment: AOX1: BP4, BP7, BS2

Labcorp Genetics (formerly Invitae), Labcorp
Classification: Benign. Last evaluated: 2018-03-29. Review status: criteria provided, single submitter. Criteria: Invitae Variant Classification Sherloc (09022015). Collection method: clinical testing. Allele origin: germline.

Breakthrough Genomics
Classification: Benign. Review status: criteria provided, single submitter. Criteria: ACMG Guidelines, 2015. Collection method: not provided. Allele origin: germline. Inheritance: Unknown mechanism. Affected: yes.